The following is an entry in ClinVar:

ClinVar aggregate classification (germline): Uncertain significance. Review status: criteria provided, multiple submitters, no conflicts (2 of 4 stars). 3 submissions from 3 submitters: Uncertain significance (3). Last evaluated 2025-09-17.

Conditions:
Joubert syndrome. Also called: JOUBERT-BOLTSHAUSER SYNDROME; Familial aplasia of the vermis. Identifiers: Orphanet 475, MedGen C5979921, MONDO:0018772.
Nephronophthisis. Also called: Juvenile Nephronophthisis. Identifiers: Orphanet 655, MedGen C0687120, MONDO:0019005, HP:0000090.
Meckel-Gruber syndrome. Also called: DYSENCEPHALIA SPLANCHNOCYSTICA; GRUBER SYNDROME; Dysencephalia splachnocystica. Identifiers: Orphanet 564, MedGen C0265215, MONDO:0018921.
CEP290-related ciliopathy. Also called: CEP290 ciliopathy. Identifiers: MedGen CN305601, MONDO:0100451.

Allele frequency attached by ClinVar (database versions not stated): gnomAD exomes below 0.00001; TOPMed below 0.00001; gnomAD 0.00003; ExAC 0.00004; 1000 Genomes Project 0.00040; 1000 Genomes Project 30x 0.00047.
gnomAD v4.1: 10 of 1,613,532 alleles (0.00062%); highest among the groups gnomAD compares: East Asian, 0.022%; no homozygotes.

Submissions (3):

Myriad Genetics, Inc.
Classification: Uncertain significance for CEP290-related ciliopathy. Last evaluated: 2025-09-17. Review status: criteria provided, single submitter. Criteria: Myriad Autosomal Dominant, Autosomal Recessive and X-Linked Classification Criteria (2023). Collection method: clinical testing. Allele origin: unknown.
Comment: NM_025114.3(CEP290):c.1306G>A(E436K) is a missense variant classified as a variant of uncertain significance in the context of CEP290-related disorders. E436K has not been observed in cases with relevant disease. Relevant functional assessments of this variant are not available in the literature. E436K has been observed in referenced population frequency databases. In summary, there is insufficient evidence to classify NM_025114.3(CEP290):c.1306G>A(E436K) as pathogenic or benign. Please note: this variant was assessed in the context of healthy population screening.

Labcorp Genetics (formerly Invitae), Labcorp
Classification: Uncertain significance for Joubert syndrome; Meckel-Gruber syndrome; Nephronophthisis. Last evaluated: 2024-07-12. Review status: criteria provided, single submitter. Criteria: Invitae Variant Classification Sherloc (09022015). Collection method: clinical testing. Allele origin: germline.
Comment: This sequence change replaces glutamic acid, which is acidic and polar, with lysine, which is basic and polar, at codon 436 of the CEP290 protein (p.Glu436Lys). This variant is present in population databases (rs551533386, gnomAD 0.05%). This variant has not been reported in the literature in individuals affected with CEP290-related conditions. ClinVar contains an entry for this variant (Variation ID: 2158021). Advanced modeling of protein sequence and biophysical properties (such as structural, functional, and spatial information, amino acid conservation, physicochemical variation, residue mobility, and thermodynamic stability) performed at Invitae indicates that this missense variant is not expected to disrupt CEP290 protein function with a negative predictive value of 80%. In summary, the available evidence is currently insufficient to determine the role of this variant in disease. Therefore, it has been classified as a Variant of Uncertain Significance.

Blueprint Genetics
Classification: Uncertain significance. Last evaluated: 2021-02-05. Review status: criteria provided, single submitter. Criteria: ACMG Guidelines, 2015. Collection method: clinical testing. Allele origin: germline.

NM_025114.4(CEP290):c.1306G>A (p.Glu436Lys)

Gene: CEP290 (centrosomal protein 290; minus strand). Cytogenetic location: 12q21.32.
Variant type: single nucleotide variant.
Coding change: c.1306G>A on transcript NM_025114.4 (MANE Select); coding-DNA position 1306, G replaced by A.
Protein change: p.Glu436Lys; replaces glutamic acid 436 with lysine.
Molecular consequence: missense variant.
Genome position (GRCh38, 1-based): chr12:88,121,050, C>T on the plus strand (G>A on the coding strand, the complement: CEP290 is on the minus strand). VCF-style: chr12-88121050-C-T. GRCh37 (hg19) VCF-style: chr12-88514827-C-T.
Other names: short protein forms E436K.
Identifiers: ClinVar variation 2158021 (VCV002158021.5), dbSNP rs551533386, ClinGen allele CA6712581.
Genomic context (GRCh38, chr12:88,121,050, plus strand): 5'-TACATACCGATTCATAATCTTTTAACCTCTTCAGAGCCTCAACTAATTCTTTATCCTTTT[C>T]CCTAGCATCAGCCTCAGCCAGTTCAGCTGTTCTCTCAGCCTCTTTAGTTTTCTCTTTTAA-3'
Protein context (NP_079390.3, residues 426-446): TAELAEADAR[Glu436Lys]KDKELVEALK